The following is an entry in ClinVar:

ClinVar aggregate classification (germline): Likely benign (1 of 4 stars; one submission).

Allele frequency attached by ClinVar (database versions not stated): 1000 Genomes Project 30x 0.00375; 1000 Genomes Project 0.00399; TOPMed 0.00546; gnomAD 0.00598; ExAC 0.00629; ESP Exome Variant Server 0.00669; gnomAD exomes 0.00864.

Submission:

CeGaT Center for Human Genetics Tuebingen
Classification: Likely benign. Last evaluated: 2023-03-01. Review status: criteria provided, single submitter. Criteria: CeGaT Center For Human Genetics Tuebingen Variant Classification Criteria Version 2. Collection method: clinical testing. Allele origin: germline. Affected: yes. Observed: 1 variant allele.
Comment: GPRC5A: BS2

NM_003979.4(GPRC5A):c.544A>G (p.Thr182Ala)

Gene: GPRC5A (G protein-coupled receptor class C group 5 member A; plus strand). Cytogenetic location: 12p13.1.
Variant type: single nucleotide variant.
Coding change: c.544A>G on transcript NM_003979.4 (MANE Select); coding-DNA position 544, A replaced by G.
Protein change: p.Thr182Ala; replaces threonine 182 with alanine.
Molecular consequence: missense variant.
Genome position (GRCh38, 1-based): chr12:12,908,793, A>G. VCF-style: chr12-12908793-A-G. GRCh37 (hg19) VCF-style: chr12-13061727-A-G.
Other names: short protein forms T182A.
Identifiers: ClinVar variation 2642742 (VCV002642742.24), dbSNP rs12368599, ClinGen allele CA6458699.